The following is an entry in ClinVar:

ClinVar aggregate classification (germline): Likely benign (1 of 4 stars; one submission).

Allele frequency attached by ClinVar (database versions not stated): 1000 Genomes Project 30x 0.00687; 1000 Genomes Project 0.00739; TOPMed 0.01328; gnomAD 0.01446 and 0.01468; gnomAD exomes 0.01559.
gnomAD v4.1: 6,692 of 438,374 alleles (1.5%); highest among the groups gnomAD compares: Non-Finnish European, 2.1%; 72 homozygotes.

Submission:

GeneDx
Classification: Likely benign. Last evaluated: 2018-06-14. Review status: criteria provided, single submitter. Criteria: GeneDx Variant Classification (06012015). Collection method: clinical testing. Allele origin: germline. Affected: yes.
Comment: This variant is considered likely benign or benign based on one or more of the following criteria: it is a conservative change, it occurs at a poorly conserved position in the protein, it is predicted to be benign by multiple in silico algorithms, and/or has population frequency not consistent with disease.

NM_001371596.2(MFSD8):c.439+251G>A

Gene: MFSD8 (major facilitator superfamily domain containing 8; minus strand). Cytogenetic location: 4q28.2.
Variant type: single nucleotide variant.
Coding change: c.439+251G>A on transcript NM_001371596.2 (MANE Select); 251 bases into the intron after coding-DNA position 439, G replaced by A.
Molecular consequence: intron variant.
Genome position (GRCh38, 1-based): chr4:127,943,501, C>T on the plus strand (G>A on the coding strand, the complement: MFSD8 is on the minus strand). VCF-style: chr4-127943501-C-T. GRCh37 (hg19) VCF-style: chr4-128864656-C-T.
Other names: c.304+251G>A (NM_001371595.1, NM_001410765.1, NM_001371590.2); c.439+251G>A (NM_152778.4, NM_001363521.3, NM_001410766.1 and 5 more transcripts).
Identifiers: ClinVar variation 669648 (VCV000669648.3), dbSNP rs79076823, ClinGen allele CA105686726.
Genomic context (GRCh38, chr4:127,943,501, plus strand): 5'-AACTCCTGGGCTCAAGAGATTCTGCTACCTCAGTCTCCTGAGTAGCTGGTATTATAGGCA[C>T]GTGCCACCACACCTGGTTTAAACTGAATCTTGAAGGATGAAGAATGATGAGAACAGAAGA-3'